The following is an entry in ClinVar:

NM_006255.5(PRKCH):c.56C>T (p.Ala19Val)

Genes: PRKCH-AS1 (PRKCH antisense RNA 1; minus strand), PRKCH (protein kinase C eta; plus strand). Cytogenetic location: 14q23.1.
Variant type: single nucleotide variant.
Coding change: c.56C>T on transcript NM_006255.5 (MANE Select); coding-DNA position 56, C replaced by T.
Protein change: p.Ala19Val; replaces alanine 19 with valine.
Molecular consequence: missense variant.
Genome position (GRCh38, 1-based): chr14:61,322,157, C>T. VCF-style: chr14-61322157-C-T. GRCh37 (hg19) VCF-style: chr14-61788875-C-T.
Other names: NC_000014.8:g.61788875C>T; c.56C>T (NM_006255.4); short protein forms A19V.
Identifiers: ClinVar variation 4398050 (VCV004398050.2).

ClinVar aggregate classification (germline): Likely benign (1 of 4 stars; one submission).

Conditions:
PRKCH-related disorder. Also called: PRKCH-related condition.

Submissions (3):

PreventionGenetics, part of Exact Sciences
Classification: Likely benign for PRKCH-related condition. Last evaluated: 2025-11-19. Review status: criteria provided, single submitter. Criteria: ACMG Guidelines, 2015. Collection method: clinical testing. Allele origin: germline.
Comment: This variant is classified as likely benign based on ACMG/AMP sequence variant interpretation guidelines (Richards et al. 2015 PMID: 25741868, with internal and published modifications).

Dr. Peter K. Rogan Lab, Western University
No classification provided (evidence only). Condition: Malignant tumor of urinary bladder. Review status: no classification provided. Collection method: in vitro. Allele origin: not applicable. Functional consequence: retained intron. Not counted in ClinVar's aggregate classification.

Dr. Peter K. Rogan Lab, Western University
No classification provided (evidence only). Condition: Hepatocellular carcinoma. Review status: no classification provided. Collection method: in vitro. Allele origin: not applicable. Functional consequence: retained intron. Not counted in ClinVar's aggregate classification.